The following is an entry in ClinVar:

ClinVar aggregate classification (germline): Pathogenic (1 of 4 stars; one submission).

Conditions:
Neurofibromatosis, type 1 (NF1). Also called: Neurofibromatosis, type I; VON RECKLINGHAUSEN DISEASE; NEUROFIBROMATOSIS, TYPE I, SOMATIC; Peripheral type neurofibromatosis. Identifiers: Orphanet 636, MedGen C0027831, MONDO:0018975, OMIM 162200. Disease mechanism: loss of function.

Submission:

Labcorp Genetics (formerly Invitae), Labcorp
Classification: Pathogenic for Neurofibromatosis, type 1. Last evaluated: 2021-04-24. Review status: criteria provided, single submitter. Criteria: Invitae Variant Classification Sherloc (09022015). Collection method: clinical testing. Allele origin: germline.
Comment: For these reasons, this variant has been classified as Pathogenic. This variant has not been reported in the literature in individuals with NF1-related conditions. This variant is not present in population databases (ExAC no frequency). This sequence change creates a premature translational stop signal (p.Gln1235Argfs*4) in the NF1 gene. It is expected to result in an absent or disrupted protein product. Loss-of-function variants in NF1 are known to be pathogenic (PMID: 10712197, 23913538).

Literature cited by the submitters: PubMed 10712197; PubMed 23913538.

NM_001042492.3(NF1):c.3704_3707del (p.Gln1235fs)

Gene: NF1 (neurofibromin 1; plus strand). Cytogenetic location: 17q11.2.
Variant type: Deletion.
Coding change: c.3704_3707del on transcript NM_001042492.3 (MANE Select); coding-DNA positions 3704 to 3707, 4 bases deleted (AGTG; older notation c.3704_3707delAGTG).
Protein change: p.Gln1235fs; shifts the reading frame from glutamine 1235.
Molecular consequence: frameshift variant.
Genome position (GRCh38, 1-based): chr17:31,233,209-31,233,212, AGTG deleted. VCF-style (leftmost placement, unchanged base first): chr17-31233208-CAGTG-C. GRCh37 (hg19) VCF-style: chr17-29560226-CAGTG-C.
Other names: c.3704_3707delAGTG, p.Gln1235Argfs (NM_000267.4); short protein forms Q1235fs.
Identifiers: ClinVar variation 1457352 (VCV001457352.6), dbSNP rs2151435829, ClinGen allele CA2573153365.